The following is an entry in ClinVar:

NM_017882.3(CLN6):c.271G>A (p.Val91Ile)

Gene: CLN6 (CLN6 transmembrane ER protein; minus strand). Cytogenetic location: 15q23.
Variant type: single nucleotide variant.
Coding change: c.271G>A on transcript NM_017882.3 (MANE Select); coding-DNA position 271, G replaced by A.
Protein change: p.Val91Ile; replaces valine 91 with isoleucine.
Molecular consequence: missense variant.
Genome position (GRCh38, 1-based): chr15:68,214,316, C>T on the plus strand (G>A on the coding strand, the complement: CLN6 is on the minus strand). VCF-style: chr15-68214316-C-T. GRCh37 (hg19) VCF-style: chr15-68506654-C-T.
Other names: short protein forms V91I.
Identifiers: ClinVar variation 457971 (VCV000457971.11), dbSNP rs140519790, ClinGen allele CA7630651.
Genomic context (GRCh38, chr15:68,214,316, plus strand): 5'-ATGACAGGAGAGAGTGGGGGCCCTGGGACAGTACCTTGAGCAAGAGAAAGGGCGTGATGA[C>T]GTTGTAGGCCATGTGGAAGTAGTCCCCAACACTGGGCTTGTTGAGTGGAAACCACTCGAG-3'
Protein context (NP_060352.1, residues 81-101): VGDYFHMAYN[Val91Ile]ITPFLLLKLI

ClinVar aggregate classification (germline): Conflicting classifications of pathogenicity. Review status: criteria provided, conflicting classifications (1 of 4 stars). 4 submissions from 4 submitters: Uncertain significance (3); Likely benign (1). Last evaluated 2023-12-06.

Conditions:
Inborn genetic diseases. Identifiers: MedGen C0950123, MeSH D030342.
Neuronal ceroid lipofuscinosis. Also called: Neuronal Ceroid Lipofuscinoses. Identifiers: Orphanet 216, Orphanet 79263, MedGen C0027877, MONDO:0016295. Disease mechanism: loss of function.

Allele frequency attached by ClinVar (database versions not stated): ExAC 0.00002; gnomAD exomes 0.00002 and 0.00003; gnomAD 0.00006 and 0.00007; TOPMed 0.00006; ESP Exome Variant Server 0.00015; 1000 Genomes Project 0.00040; 1000 Genomes Project 30x 0.00047.
gnomAD v4.1: 35 of 1,613,852 alleles (0.0022%); highest among the groups gnomAD compares: African/African-American, 0.016%; no homozygotes.

Submissions (4):

Labcorp Genetics (formerly Invitae), Labcorp
Classification: Uncertain significance for Neuronal ceroid lipofuscinosis. Last evaluated: 2023-12-06. Review status: criteria provided, single submitter. Criteria: Invitae Variant Classification Sherloc (09022015). Collection method: clinical testing. Allele origin: germline.
Comment: This sequence change replaces valine, which is neutral and non-polar, with isoleucine, which is neutral and non-polar, at codon 91 of the CLN6 protein (p.Val91Ile). This variant is present in population databases (rs140519790, gnomAD 0.02%). This variant has not been reported in the literature in individuals affected with CLN6-related conditions. ClinVar contains an entry for this variant (Variation ID: 457971). Advanced modeling of protein sequence and biophysical properties (such as structural, functional, and spatial information, amino acid conservation, physicochemical variation, residue mobility, and thermodynamic stability) performed at Invitae indicates that this missense variant is not expected to disrupt CLN6 protein function with a negative predictive value of 80%. In summary, the available evidence is currently insufficient to determine the role of this variant in disease. Therefore, it has been classified as a Variant of Uncertain Significance.

GeneDx
Classification: Uncertain significance. Last evaluated: 2020-03-23. Review status: criteria provided, single submitter. Criteria: GeneDx Variant Classification Process June 2021. Collection method: clinical testing. Allele origin: germline. Affected: yes.
Comment: In silico analysis supports that this missense variant does not alter protein structure/function; Has not been previously published as pathogenic or benign to our knowledge

Ambry Genetics
Classification: Likely benign for Inborn genetic diseases. Last evaluated: 2019-03-15. Review status: criteria provided, single submitter. Criteria: Ambry Variant Classification Scheme 2023. Collection method: clinical testing. Allele origin: germline.

Athena Diagnostics
Classification: Uncertain significance. Last evaluated: 2017-12-15. Review status: criteria provided, single submitter. Criteria: Athena Diagnostics Criteria. Collection method: clinical testing. Allele origin: germline.